The following is an entry in ClinVar:

ClinVar aggregate classification (germline): Uncertain significance (1 of 4 stars; one submission).

Submission:

Labcorp Genetics (formerly Invitae), Labcorp
Classification: Uncertain significance. Last evaluated: 2025-03-17. Review status: criteria provided, single submitter. Criteria: Invitae Variant Classification Sherloc (09022015). Collection method: clinical testing. Allele origin: germline.
Comment: This sequence change replaces glycine, which is neutral and non-polar, with methionine, which is neutral and non-polar, at codon 20 of the RGR protein (p.Gly20Met). This variant is present in population databases (no rsID available, gnomAD 0.0008%). This variant has not been reported in the literature in individuals affected with RGR-related conditions. ClinVar contains an entry for this variant (Variation ID: 2101894). Experimental studies and prediction algorithms are not available or were not evaluated, and the functional significance of this variant is currently unknown. In summary, the available evidence is currently insufficient to determine the role of this variant in disease. Therefore, it has been classified as a Variant of Uncertain Significance.

NM_001012720.2(RGR):c.58_59delinsAT (p.Gly20Met)

Gene: RGR (retinal G protein coupled receptor; plus strand). Cytogenetic location: 10q23.1.
Variant type: Indel.
Coding change: c.58_59delinsAT on transcript NM_001012720.2 (MANE Select); coding-DNA positions 58 to 59, GG replaced by AT.
Protein change: p.Gly20Met; replaces glycine 20 with methionine.
Molecular consequence: missense variant.
Genome position (GRCh38, 1-based): chr10:84,245,148-84,245,149, GG replaced by AT. VCF-style: chr10-84245148-GG-AT. GRCh37 (hg19) VCF-style: chr10-86004904-GG-AT.
Other names: c.58_59delinsAT, p.Gly20Met (NM_001012722.2, NM_002921.4); short protein forms G20M.
Identifiers: ClinVar variation 2101894 (VCV002101894.4), dbSNP rs2492621044, ClinGen allele CA2580082052.